The following is an entry in ClinVar:

ClinVar aggregate classification (germline): Likely benign. Review status: criteria provided, multiple submitters, no conflicts (2 of 4 stars). 3 submissions from 3 submitters: Likely benign (3). Last evaluated 2026-01-28.

Conditions:
Familial sleep-related hypermotor epilepsy. Also called: Autosomal Dominant Sleep-Related Hypermotor (Hyperkinetic) Epilepsy. Identifiers: Orphanet 98784, MedGen C3696898, MONDO:0000030.
Inborn genetic diseases. Identifiers: MedGen C0950123, MeSH D030342.

Allele frequency attached by ClinVar (database versions not stated): TOPMed 0.00003.
gnomAD v4.1: 41 of 1,614,070 alleles (0.0025%); highest among the groups gnomAD compares: Non-Finnish European, 0.0033%; no homozygotes.

Submissions (3):

Labcorp Genetics (formerly Invitae), Labcorp
Classification: Likely benign. Last evaluated: 2026-01-28. Review status: criteria provided, single submitter. Criteria: Invitae Variant Classification Sherloc (09022015). Collection method: clinical testing. Allele origin: germline.

CeGaT Center for Human Genetics Tuebingen
Classification: Likely benign. Last evaluated: 2022-10-01. Review status: criteria provided, single submitter. Criteria: CeGaT Center For Human Genetics Tuebingen Variant Classification Criteria Version 2. Collection method: clinical testing. Allele origin: germline. Affected: yes. Observed: 1 variant allele.
Comment: CHRNA2: BP4, BP7

Ambry Genetics
Classification: Likely benign for Inborn genetic diseases. Last evaluated: 2019-10-23. Review status: criteria provided, single submitter. Criteria: Ambry Variant Classification Scheme 2023. Collection method: clinical testing. Allele origin: germline.

NM_000742.4(CHRNA2):c.225C>T (p.Arg75=)

Gene: CHRNA2 (cholinergic receptor nicotinic alpha 2 subunit; minus strand). Cytogenetic location: 8p21.2.
Variant type: single nucleotide variant.
Coding change: c.225C>T on transcript NM_000742.4 (MANE Select); coding-DNA position 225, C replaced by T.
Protein change: p.Arg75=; no amino-acid change (arginine 75 retained).
Molecular consequence: synonymous variant. On other transcripts: 5 prime UTR variant (4).
Genome position (GRCh38, 1-based): chr8:27,469,830, G>A on the plus strand (C>T on the coding strand, the complement: CHRNA2 is on the minus strand). VCF-style: chr8-27469830-G-A. GRCh37 (hg19) VCF-style: chr8-27327347-G-A.
Other names: c.225C>T, p.Arg75= (NM_001282455.2); c.-203C>T (NM_001347705.2); c.-248C>T (NM_001347706.2); c.-189C>T (NM_001347707.2); c.-237C>T (NM_001347708.2).
Identifiers: ClinVar variation 700387 (VCV000700387.35), dbSNP rs371737919, ClinGen allele CA4689756.